The following is an entry in ClinVar:

ClinVar aggregate classification (germline): Uncertain significance (1 of 4 stars; one submission).

Submission:

GeneDx
Classification: Uncertain significance. Last evaluated: 2026-04-23. Review status: criteria provided, single submitter. Criteria: GeneDx Variant Classification Process June 2021. Collection method: clinical testing. Allele origin: germline.
Comment: Not observed at significant frequency in large population cohorts (gnomAD); In silico analysis supports that this missense variant has a deleterious effect on protein structure/function; Has not been previously published as pathogenic or benign to our knowledge; In silico analysis suggests this variant may impact gene splicing. In the absence of RNA/functional studies, the actual effect of this sequence change is unknown.

NM_013450.4(BAZ2B):c.5850T>A (p.Asp1950Glu)

Gene: BAZ2B (bromodomain adjacent to zinc finger domain 2B; minus strand). Cytogenetic location: 2q24.2.
Variant type: single nucleotide variant.
Coding change: c.5850T>A on transcript NM_013450.4 (MANE Select); coding-DNA position 5850, T replaced by A.
Protein change: p.Asp1950Glu; replaces aspartic acid 1950 with glutamic acid.
Molecular consequence: missense variant.
Genome position (GRCh38, 1-based): chr2:159,332,633, A>T on the plus strand (T>A on the coding strand, the complement: BAZ2B is on the minus strand). VCF-style: chr2-159332633-A-T. GRCh37 (hg19) VCF-style: chr2-160189144-A-T.
Other names: c.5742T>A, p.Asp1914Glu (NM_001289975.1); c.5793T>A, p.Asp1931Glu (NM_001329857.2); c.5775T>A, p.Asp1925Glu (NM_001329858.2); short protein forms D1914E, D1925E, D1931E, D1950E.
Identifiers: ClinVar variation 5037622 (VCV005037622.1).